The following is an entry in ClinVar:

NC_000019.9:g.(?_36398100)_(36399130_?)del

Gene: TYROBP (transmembrane immune signaling adaptor TYROBP; minus strand). Cytogenetic location: 19q13.12.
Variant type: Deletion.
Identifiers: ClinVar variation 2424673 (VCV002424673.4).

ClinVar aggregate classification (germline): Pathogenic (1 of 4 stars; one submission).

Submission:

Labcorp Genetics (formerly Invitae), Labcorp
Classification: Pathogenic. Last evaluated: 2022-06-05. Review status: criteria provided, single submitter. Criteria: Invitae Variant Classification Sherloc (09022015). Collection method: clinical testing. Allele origin: germline.
Comment: For these reasons, this variant has been classified as Pathogenic. This variant has not been reported in the literature in individuals affected with TYROBP-related conditions. This variant is a gross deletion of the genomic region encompassing exon(s) 1-4 of the TYROBP gene, which includes the initiator codon. This deletion extends beyond the assayed region for this gene and therefore may encompass additional genes. It is expected to result in an absent or disrupted protein product. Loss-of-function variants in TYROBP are known to be pathogenic (PMID: 10888890, 12370476, 15883308).

Literature cited by the submitters: PubMed 10888890; PubMed 12370476; PubMed 15883308.